The following is an entry in ClinVar:

NM_001379291.1(BRD4):c.2472C>G (p.Thr824=)

Gene: BRD4 (bromodomain containing 4; minus strand). Cytogenetic location: 19p13.12.
Variant type: single nucleotide variant.
Coding change: c.2472C>G on transcript NM_001379291.1 (MANE Select); coding-DNA position 2472, C replaced by G.
Protein change: p.Thr824=; no amino-acid change (threonine 824 retained).
Molecular consequence: synonymous variant.
Genome position (GRCh38, 1-based): chr19:15,244,340, G>C on the plus strand (C>G on the coding strand, the complement: BRD4 is on the minus strand). VCF-style: chr19-15244340-G-C. GRCh37 (hg19) VCF-style: chr19-15355151-G-C.
Other names: c.2472C>G, p.Thr824= (NM_058243.3).
Identifiers: ClinVar variation 1971653 (VCV001971653.9), dbSNP rs1332104677, ClinGen allele CA506080398.

ClinVar aggregate classification (germline): Likely benign. Review status: criteria provided, multiple submitters, no conflicts (2 of 4 stars). 2 submissions from 2 submitters: Likely benign (2). Last evaluated 2026-01-01.

Allele frequency attached by ClinVar (database versions not stated): gnomAD 0.00001; TOPMed 0.00001; gnomAD exomes 0.00003.
gnomAD v4.1: 45 of 1,602,122 alleles (0.0028%); highest among the groups gnomAD compares: Non-Finnish European, 0.0036%; no homozygotes.

Submissions (2):

CeGaT Center for Human Genetics Tuebingen
Classification: Likely benign. Last evaluated: 2026-01-01. Review status: criteria provided, single submitter. Criteria: CeGaT Center For Human Genetics Tuebingen Variant Classification Criteria Version 2. Collection method: clinical testing. Allele origin: germline. Affected: yes. Observed: 1 variant allele.
Comment: BRD4: BP4, BP7

Labcorp Genetics (formerly Invitae), Labcorp
Classification: Likely benign. Last evaluated: 2022-05-03. Review status: criteria provided, single submitter. Criteria: Invitae Variant Classification Sherloc (09022015). Collection method: clinical testing. Allele origin: germline.